The following is an entry in ClinVar:

NM_003151.4(STAT4):c.1021A>T (p.Thr341Ser)

Gene: STAT4 (signal transducer and activator of transcription 4; minus strand). Cytogenetic location: 2q32.2.
Variant type: single nucleotide variant.
Coding change: c.1021A>T on transcript NM_003151.4 (MANE Select); coding-DNA position 1021, A replaced by T.
Protein change: p.Thr341Ser; replaces threonine 341 with serine.
Molecular consequence: missense variant.
Genome position (GRCh38, 1-based): chr2:191,061,742, T>A on the plus strand (A>T on the coding strand, the complement: STAT4 is on the minus strand). VCF-style: chr2-191061742-T-A. GRCh37 (hg19) VCF-style: chr2-191926468-T-A.
Other names: c.1021A>T, p.Thr341Ser (NM_001243835.2); short protein forms T341S.
Identifiers: ClinVar variation 1930288 (VCV001930288.5), dbSNP rs746642521, ClinGen allele CA2030731.

ClinVar aggregate classification (germline): Uncertain significance (1 of 4 stars; one submission).

Allele frequency attached by ClinVar (database versions not stated): ExAC 0.00003.
gnomAD v4.1: 13 of 1,613,960 alleles (0.00081%); highest among the groups gnomAD compares: South Asian, 0.014%; 1 homozygote.

Submission:

Labcorp Genetics (formerly Invitae), Labcorp
Classification: Uncertain significance. Last evaluated: 2022-04-09. Review status: criteria provided, single submitter. Criteria: Invitae Variant Classification Sherloc (09022015). Collection method: clinical testing. Allele origin: germline.
Comment: Algorithms developed to predict the effect of missense changes on protein structure and function are either unavailable or do not agree on the potential impact of this missense change (SIFT: "Tolerated"; PolyPhen-2: "Probably Damaging"; Align-GVGD: "Class C0"). This variant has not been reported in the literature in individuals affected with STAT4-related conditions. This variant is present in population databases (rs746642521, gnomAD 0.01%). This sequence change replaces threonine, which is neutral and polar, with serine, which is neutral and polar, at codon 341 of the STAT4 protein (p.Thr341Ser). In summary, the available evidence is currently insufficient to determine the role of this variant in disease. Therefore, it has been classified as a Variant of Uncertain Significance.